The following is an entry in ClinVar:

ClinVar aggregate classification (germline): Uncertain significance (1 of 4 stars; one submission).

Conditions:
RYR1-related disorder. Also called: RYR1-related condition; RYR1-related disorders. Identifiers: MedGen CN239331.

Allele frequency attached by ClinVar (database versions not stated): gnomAD exomes below 0.00001.
gnomAD v4.1: 1 of 1,570,946 alleles (0.000064%); highest among the groups gnomAD compares: Non-Finnish European, 0.000086%; no homozygotes.

Submission:

Labcorp Genetics (formerly Invitae), Labcorp
Classification: Uncertain significance for RYR1-related disorder. Last evaluated: 2022-05-13. Review status: criteria provided, single submitter. Criteria: Invitae Variant Classification Sherloc (09022015). Collection method: clinical testing. Allele origin: germline.
Comment: This sequence change replaces isoleucine, which is neutral and non-polar, with valine, which is neutral and non-polar, at codon 4241 of the RYR1 protein (p.Ile4241Val). This variant is not present in population databases (gnomAD no frequency). This variant has not been reported in the literature in individuals affected with RYR1-related conditions. Algorithms developed to predict the effect of missense changes on protein structure and function (SIFT, PolyPhen-2, Align-GVGD) all suggest that this variant is likely to be tolerated. In summary, the available evidence is currently insufficient to determine the role of this variant in disease. Therefore, it has been classified as a Variant of Uncertain Significance.

NM_000540.3(RYR1):c.12721A>G (p.Ile4241Val)

Gene: RYR1 (ryanodine receptor 1; plus strand). Cytogenetic location: 19q13.2.
Variant type: single nucleotide variant.
Coding change: c.12721A>G on transcript NM_000540.3 (MANE Select); coding-DNA position 12721, A replaced by G.
Protein change: p.Ile4241Val; replaces isoleucine 4241 with valine.
Molecular consequence: missense variant.
Genome position (GRCh38, 1-based): chr19:38,565,055, A>G. VCF-style: chr19-38565055-A-G. GRCh37 (hg19) VCF-style: chr19-39055695-A-G.
Other names: c.12706A>G, p.Ile4236Val (NM_001042723.2); short protein forms I4236V, I4241V.
Identifiers: ClinVar variation 2149801 (VCV002149801.1), dbSNP rs2514674452, ClinGen allele CA405671002.